The following is an entry in ClinVar:

ClinVar aggregate classification (germline): Likely benign (1 of 4 stars; one submission).

Allele frequency attached by ClinVar (database versions not stated): ExAC 0.00002; gnomAD 0.00003; TOPMed 0.00003.

Submission:

CeGaT Center for Human Genetics Tuebingen
Classification: Likely benign. Last evaluated: 2023-01-01. Review status: criteria provided, single submitter. Criteria: CeGaT Center For Human Genetics Tuebingen Variant Classification Criteria Version 2. Collection method: clinical testing. Allele origin: germline. Affected: yes. Observed: 1 variant allele.
Comment: POLR2A: BP4, BP7

NM_000937.5(POLR2A):c.1704G>A (p.Ser568=)

Gene: POLR2A (RNA polymerase II subunit A; plus strand). Cytogenetic location: 17p13.1.
Variant type: single nucleotide variant.
Coding change: c.1704G>A on transcript NM_000937.5 (MANE Select); coding-DNA position 1704, G replaced by A.
Protein change: p.Ser568=; no amino-acid change (serine 568 retained).
Molecular consequence: synonymous variant.
Genome position (GRCh38, 1-based): chr17:7,500,671, G>A. VCF-style: chr17-7500671-G-A. GRCh37 (hg19) VCF-style: chr17-7403990-G-A.
Identifiers: ClinVar variation 2647347 (VCV002647347.24), dbSNP rs765136696, ClinGen allele CA8349538.
Genomic context (GRCh38, chr17:7,500,671, plus strand): 5'-TCTGTCTGCCTTACTCTTTGTCTTACAGGGTGAAGTGATGAACCTCCTGATGTTCCTGTC[G>A]ACGTGGGATGGGAAGGTCCCACAGCCGGCCATCCTAAAGCCCCGGCCCCTGTGGACAGGC-3'
Protein context (NP_000928.1, residues 558-578): GEVMNLLMFL[Ser568=]TWDGKVPQPA